The following is an entry in ClinVar:

ClinVar aggregate classification (germline): Uncertain significance (1 of 4 stars; one submission).

Conditions:
Generalized epilepsy-paroxysmal dyskinesia syndrome (PNKD3). Also called: Paroxysmal nonkinesigenic dyskinesia, 3, with or without generalized epilepsy; Generalized epilepsy and paroxysmal dyskinesia. Identifiers: Orphanet 79137, MedGen C5574945, MONDO:0012276, OMIM 609446.

Allele frequency attached by ClinVar (database versions not stated): gnomAD exomes below 0.00001.
gnomAD v4.1: 2 of 1,614,012 alleles (0.00012%); highest among the groups gnomAD compares: Non-Finnish European, 0.00017%; no homozygotes.

Submission:

Labcorp Genetics (formerly Invitae), Labcorp
Classification: Uncertain significance for Generalized epilepsy-paroxysmal dyskinesia syndrome. Last evaluated: 2019-04-09. Review status: criteria provided, single submitter. Criteria: Invitae Variant Classification Sherloc (09022015). Collection method: clinical testing. Allele origin: germline.
Comment: This sequence change replaces methionine with valine at codon 777 of the KCNMA1 protein (p.Met777Val). The methionine residue is highly conserved and there is a small physicochemical difference between methionine and valine. This variant is not present in population databases (ExAC no frequency). This variant has not been reported in the literature in individuals with KCNMA1-related conditions. Algorithms developed to predict the effect of missense changes on protein structure and function are either unavailable or do not agree on the potential impact of this missense change (SIFT: "Deleterious"; PolyPhen-2: "Possibly Damaging"; Align-GVGD: "Class C15"). In summary, the available evidence is currently insufficient to determine the role of this variant in disease. Therefore, it has been classified as a Variant of Uncertain Significance.

NM_001161352.2(KCNMA1):c.2503A>G (p.Met835Val)

Genes: KCNMA1 (potassium calcium-activated channel subfamily M alpha 1; minus strand), KCNMA1-AS1 (KCNMA1 antisense RNA 1; plus strand). Cytogenetic location: 10q22.3.
Variant type: single nucleotide variant.
Coding change: c.2503A>G on transcript NM_001161352.2 (MANE Select); coding-DNA position 2503, A replaced by G.
Protein change: p.Met835Val; replaces methionine 835 with valine.
Molecular consequence: missense variant.
Genome position (GRCh38, 1-based): chr10:76,949,348, T>C on the plus strand (A>G on the coding strand, the complement: KCNMA1 is on the minus strand). VCF-style: chr10-76949348-T-C. GRCh37 (hg19) VCF-style: chr10-78709106-T-C.
Other names: c.2341A>G, p.Met781Val (NM_001014797.3, NM_001322835.2, NM_001322837.2); c.2452A>G, p.Met818Val (NM_001161353.2); c.2179A>G, p.Met727Val (NM_001271518.2); c.2338A>G, p.Met780Val (NM_001271519.2, NM_001322829.2, NM_001322836.2); c.2350A>G, p.Met784Val (NM_001322830.2); c.2329A>G, p.Met777Val (NM_001322832.2, NM_002247.4); c.1876A>G, p.Met626Val (NM_001322838.2); short protein forms M818V, M626V, M835V, M777V, M781V, M784V, M727V, M780V.
Identifiers: ClinVar variation 863304 (VCV000863304.10), dbSNP rs2065356454, ClinGen allele CA377406545.